The following is an entry in ClinVar:

NM_004281.4(BAG3):c.280A>G (p.Ile94Val)

Gene: BAG3 (BAG cochaperone 3; plus strand). Cytogenetic location: 10q26.11.
Variant type: single nucleotide variant.
Coding change: c.280A>G on transcript NM_004281.4 (MANE Select); coding-DNA position 280, A replaced by G.
Protein change: p.Ile94Val; replaces isoleucine 94 with valine.
Molecular consequence: missense variant.
Genome position (GRCh38, 1-based): chr10:119,669,950, A>G. VCF-style: chr10-119669950-A-G. GRCh37 (hg19) VCF-style: chr10-121429462-A-G.
Other names: short protein forms I94V.
Identifiers: ClinVar variation 1796303 (VCV001796303.10), dbSNP rs145393807, ClinGen allele CA378294780.

ClinVar aggregate classification (germline): Uncertain significance. Review status: criteria provided, multiple submitters, no conflicts (2 of 4 stars). 4 submissions from 4 submitters: Uncertain significance (4). Last evaluated 2025-06-10.

Conditions:
Cardiovascular phenotype. Identifiers: MedGen CN230736.
Myofibrillar myopathy 6. Identifiers: Orphanet 199340, MedGen C2751831, MONDO:0013061, OMIM 612954.
Dilated cardiomyopathy 1HH (CMD1HH). Identifiers: Orphanet 154, MedGen C3151293, MONDO:0013479, OMIM 613881.

Submissions (4):

GeneDx
Classification: Uncertain significance. Last evaluated: 2025-06-10. Review status: criteria provided, single submitter. Criteria: GeneDx Variant Classification Process June 2021. Collection method: clinical testing. Allele origin: germline. Affected: yes.
Comment: Not observed at significant frequency in large population cohorts (gnomAD); In silico analysis suggests that this missense variant does not alter protein structure/function; Has not been previously published as pathogenic or benign to our knowledge; This variant is associated with the following publications: (PMID: 20001957)

Labcorp Genetics (formerly Invitae), Labcorp
Classification: Uncertain significance for Dilated cardiomyopathy 1HH; Myofibrillar myopathy 6. Last evaluated: 2024-10-30. Review status: criteria provided, single submitter. Criteria: Invitae Variant Classification Sherloc (09022015). Collection method: clinical testing. Allele origin: germline.
Comment: This sequence change replaces isoleucine, which is neutral and non-polar, with valine, which is neutral and non-polar, at codon 94 of the BAG3 protein (p.Ile94Val). This variant is not present in population databases (gnomAD no frequency). This variant has not been reported in the literature in individuals affected with BAG3-related conditions. ClinVar contains an entry for this variant (Variation ID: 1796303). Invitae Evidence Modeling of protein sequence and biophysical properties (such as structural, functional, and spatial information, amino acid conservation, physicochemical variation, residue mobility, and thermodynamic stability) indicates that this missense variant is not expected to disrupt BAG3 protein function with a negative predictive value of 80%. In summary, the available evidence is currently insufficient to determine the role of this variant in disease. Therefore, it has been classified as a Variant of Uncertain Significance.

Ambry Genetics
Classification: Uncertain significance for Cardiovascular phenotype. Last evaluated: 2021-07-22. Review status: criteria provided, single submitter. Criteria: Ambry Variant Classification Scheme 2023. Collection method: clinical testing. Allele origin: germline.
Comment: The p.I94V variant (also known as c.280A>G), located in coding exon 2 of the BAG3 gene, results from an A to G substitution at nucleotide position 280. The isoleucine at codon 94 is replaced by valine, an amino acid with highly similar properties. This amino acid position is conserved. In addition, this alteration is predicted to be tolerated by in silico analysis. Since supporting evidence is limited at this time, the clinical significance of this alteration remains unclear.

Revvity Omics, Revvity
Classification: Uncertain significance. Last evaluated: 2021-06-11. Review status: criteria provided, single submitter. Criteria: ACMG Guidelines, 2015. Collection method: clinical testing. Allele origin: germline.